The following is an entry in ClinVar:

ClinVar aggregate classification (germline): Uncertain significance (1 of 4 stars; one submission).

Conditions:
Sulfite oxidase deficiency due to molybdenum cofactor deficiency type C. Also called: Molybdenum cofactor deficiency, complementation group C; Molybdenum cofactor deficiency C. Identifiers: Orphanet 308400, Orphanet 833, MedGen C1854990, MONDO:0014212, OMIM 615501.

Submission:

Labcorp Genetics (formerly Invitae), Labcorp
Classification: Uncertain significance for Sulfite oxidase deficiency due to molybdenum cofactor deficiency type C. Last evaluated: 2021-10-25. Review status: criteria provided, single submitter. Criteria: Invitae Variant Classification Sherloc (09022015). Collection method: clinical testing. Allele origin: germline.
Comment: In summary, the available evidence is currently insufficient to determine the role of this variant in disease. Therefore, it has been classified as a Variant of Uncertain Significance. This variant has not been reported in the literature in individuals affected with GPHN-related conditions. This variant is a gross deletion of the genomic region encompassing exon(s) 10-13 of the GPHN gene. This variant would be expected to be in-frame, preserving the integrity of the reading frame.

NC_000014.8:g.(?_67490330)_(67567648_?)del

Gene: GPHN (gephyrin; plus strand). Cytogenetic location: 14q23.3.
Variant type: Deletion.
Identifiers: ClinVar variation 2426604 (VCV002426604.4).